The following is an entry in ClinVar:

NM_002907.4(RECQL):c.239A>G (p.Lys80Arg)

Gene: RECQL (RecQ like helicase; minus strand). Cytogenetic location: 12p12.1.
Variant type: single nucleotide variant.
Coding change: c.239A>G on transcript NM_002907.4 (MANE Select); coding-DNA position 239, A replaced by G.
Protein change: p.Lys80Arg; replaces lysine 80 with arginine.
Molecular consequence: missense variant.
Genome position (GRCh38, 1-based): chr12:21,490,354, T>C on the plus strand (A>G on the coding strand, the complement: RECQL is on the minus strand). VCF-style: chr12-21490354-T-C. GRCh37 (hg19) VCF-style: chr12-21643288-T-C.
Other names: c.239A>G, p.Lys80Arg (NM_032941.3); short protein forms K80R.
Identifiers: ClinVar variation 1397068 (VCV001397068.8), dbSNP rs2136749889, ClinGen allele CA384133508.

ClinVar aggregate classification (germline): Uncertain significance (1 of 4 stars; one submission).

Submission:

Labcorp Genetics (formerly Invitae), Labcorp
Classification: Uncertain significance. Last evaluated: 2021-05-21. Review status: criteria provided, single submitter. Criteria: Invitae Variant Classification Sherloc (09022015). Collection method: clinical testing. Allele origin: germline.
Comment: In summary, the available evidence is currently insufficient to determine the role of this variant in disease. Therefore, it has been classified as a Variant of Uncertain Significance. Algorithms developed to predict the effect of missense changes on protein structure and function (SIFT, PolyPhen-2, Align-GVGD) all suggest that this variant is likely to be tolerated, but these predictions have not been confirmed by published functional studies and their clinical significance is uncertain. This variant has not been reported in the literature in individuals with RECQL-related conditions. This variant is not present in population databases (ExAC no frequency). This sequence change replaces lysine with arginine at codon 80 of the RECQL protein (p.Lys80Arg). The lysine residue is moderately conserved and there is a small physicochemical difference between lysine and arginine.